The following is an entry in ClinVar:

ClinVar aggregate classification (germline): Conflicting classifications of pathogenicity. Review status: criteria provided, conflicting classifications (1 of 4 stars). 2 submissions from 2 submitters: Uncertain significance (1); Likely benign (1). Last evaluated 2023-04-12.

Conditions:
Inborn genetic diseases. Identifiers: MedGen C0950123, MeSH D030342.

Allele frequency attached by ClinVar (database versions not stated): gnomAD exomes 0.00002; gnomAD 0.00005; TOPMed 0.00005; ExAC 0.00012; 1000 Genomes Project 30x 0.00031; 1000 Genomes Project 0.00040.
gnomAD v4.1: 38 of 1,614,174 alleles (0.0024%); highest among the groups gnomAD compares: East Asian, 0.038%; no homozygotes.

Submissions (2):

GeneDx
Classification: Likely benign. Last evaluated: 2023-04-12. Review status: criteria provided, single submitter. Criteria: GeneDx Variant Classification Process June 2021. Collection method: clinical testing. Allele origin: germline. Affected: yes.
Comment: See Variant Classification Assertion Criteria.

Ambry Genetics
Classification: Uncertain significance for Inborn genetic diseases. Last evaluated: 2021-08-30. Review status: criteria provided, single submitter. Criteria: Ambry Variant Classification Scheme 2023. Collection method: clinical testing. Allele origin: germline.

NM_000494.4(COL17A1):c.2297G>A (p.Arg766His)

Gene: COL17A1 (collagen type XVII alpha 1 chain; minus strand). Cytogenetic location: 10q25.1.
Variant type: single nucleotide variant.
Coding change: c.2297G>A on transcript NM_000494.4 (MANE Select); coding-DNA position 2297, G replaced by A.
Protein change: p.Arg766His; replaces arginine 766 with histidine.
Molecular consequence: missense variant.
Genome position (GRCh38, 1-based): chr10:104,047,777, C>T on the plus strand (G>A on the coding strand, the complement: COL17A1 is on the minus strand). VCF-style: chr10-104047777-C-T. GRCh37 (hg19) VCF-style: chr10-105807535-C-T.
Other names: short protein forms R766H.
Identifiers: ClinVar variation 2247335 (VCV002247335.3), dbSNP rs181206306, ClinGen allele CA5678560.